The following is an entry in ClinVar:

ClinVar aggregate classification (germline): Uncertain significance (1 of 4 stars; one submission).

gnomAD v4.1: 17 of 1,613,404 alleles (0.0011%); highest among the groups gnomAD compares: Non-Finnish European, 0.0014%; no homozygotes.

Submission:

GeneDx
Classification: Uncertain significance. Last evaluated: 2025-03-04. Review status: criteria provided, single submitter. Criteria: GeneDx Variant Classification Process June 2021. Collection method: clinical testing. Allele origin: germline.
Comment: Not observed at significant frequency in large population cohorts (gnomAD); In silico analysis supports that this missense variant has a deleterious effect on protein structure/function; Has not been previously published as pathogenic or benign to our knowledge

NM_021044.4(DHH):c.288C>A (p.Asp96Glu)

Genes: DHH (desert hedgehog signaling molecule; minus strand), DHH-AS1 (DHH antisense RNA 1; plus strand). Cytogenetic location: 12q13.12.
Variant type: single nucleotide variant.
Coding change: c.288C>A on transcript NM_021044.4 (MANE Select); coding-DNA position 288, C replaced by A.
Protein change: p.Asp96Glu; replaces aspartic acid 96 with glutamic acid.
Molecular consequence: missense variant.
Genome position (GRCh38, 1-based): chr12:49,094,225, G>T on the plus strand (C>A on the coding strand, the complement: DHH is on the minus strand). VCF-style: chr12-49094225-G-T. GRCh37 (hg19) VCF-style: chr12-49488008-G-T.
Other names: short protein forms D96E.
Identifiers: ClinVar variation 3368798 (VCV003368798.2).